The following is an entry in ClinVar:

NM_014795.4(ZEB2):c.808-632A>T

Gene: ZEB2 (zinc finger E-box binding homeobox 2; minus strand). Cytogenetic location: 2q22.3.
Variant type: single nucleotide variant.
Coding change: c.808-632A>T on transcript NM_014795.4 (MANE Select); 632 bases into the intron before coding-DNA position 808, A replaced by T.
Molecular consequence: intron variant.
Genome position (GRCh38, 1-based): chr2:144,401,939, T>A on the plus strand (A>T on the coding strand, the complement: ZEB2 is on the minus strand). VCF-style: chr2-144401939-T-A. GRCh37 (hg19) VCF-style: chr2-145159506-T-A.
Other names: c.736-632A>T (NM_001171653.2).
Identifiers: ClinVar variation 3770192 (VCV003770192.2).

ClinVar aggregate classification (germline): Likely pathogenic (1 of 4 stars; one submission).

Conditions:
Mowat-Wilson syndrome (MOWS). Also called: Classic Mowat-Wilson Syndrome. Identifiers: Orphanet 2152, MedGen C1856113, MONDO:0009341, OMIM 235730.

Submission:

Undiagnosed Diseases Network, NIH
Classification: Likely pathogenic for Mowat-Wilson syndrome. Last evaluated: 2024-07-02. Review status: criteria provided, single submitter. Criteria: ACMG Guidelines, 2015. Collection method: clinical testing. Allele origin: de novo. Inheritance: Autosomal dominant inheritance. Affected: yes. Observed: 1 heterozygote. Study: Undiagnosed Diseases Network (NIH), UDN.

Literature cited by the submitters: PubMed 39484203.